The following is an entry in ClinVar:

ClinVar aggregate classification (germline): Likely benign. Review status: criteria provided, multiple submitters, no conflicts (2 of 4 stars). 3 submissions from 3 submitters: Likely benign (3). Last evaluated 2025-12-27.

Conditions:
Inborn genetic diseases. Identifiers: MedGen C0950123, MeSH D030342.

Submissions (3):

Labcorp Genetics (formerly Invitae), Labcorp
Classification: Likely benign. Last evaluated: 2025-12-27. Review status: criteria provided, single submitter. Criteria: Invitae Variant Classification Sherloc (09022015). Collection method: clinical testing. Allele origin: germline.

CeGaT Center for Human Genetics Tuebingen
Classification: Likely benign. Last evaluated: 2023-01-01. Review status: criteria provided, single submitter. Criteria: CeGaT Center For Human Genetics Tuebingen Variant Classification Criteria Version 2. Collection method: clinical testing. Allele origin: germline. Affected: yes. Observed: 1 variant allele.
Comment: BPTF: BS1

Ambry Genetics
Classification: Likely benign for Inborn genetic diseases. Last evaluated: 2021-10-08. Review status: criteria provided, single submitter. Criteria: Ambry Variant Classification Scheme 2023. Collection method: clinical testing. Allele origin: germline.

NM_182641.4(BPTF):c.229CCG[7] (p.Pro82_Ala83insPro)

Gene: BPTF (bromodomain PHD finger transcription factor; plus strand). Cytogenetic location: 17q24.2.
Variant type: Microsatellite.
Coding change: c.229CCG[7] on transcript NM_182641.4 (MANE Select); seven copies in a row of the 3-base unit CCG starting at c.229; the reference has six copies in a row; one copy, 3 bases duplicated.
Protein change: p.Pro82_Ala83insPro.
Molecular consequence: inframe insertion.
Genome position (GRCh38, 1-based): chr17:67,825,968-67,825,970, CCG duplicated; duplicating any 3 consecutive bases within chr17:67,825,952-67,825,970 gives the same sequence; the position shown is the placement nearest the transcript's 3' end. VCF-style (leftmost placement, unchanged base first): chr17-67825951-A-AGCC. GRCh37 (hg19) VCF-style: chr17-65822067-A-AGCC.
Other names: c.229CCG[7], p.Pro82_Ala83insPro (NM_004459.7).
Identifiers: ClinVar variation 1972001 (VCV001972001.30), dbSNP rs955533308, ClinGen allele CA627315514.